The following is an entry in ClinVar:

ClinVar aggregate classification (germline): Uncertain significance (1 of 4 stars; one submission).

Conditions:
Charcot-Marie-Tooth disease axonal type 2O. Also called: CHARCOT-MARIE-TOOTH NEUROPATHY, AXONAL, TYPE 2O; CHARCOT-MARIE-TOOTH DISEASE, AXONAL, AUTOSOMAL DOMINANT, TYPE 2O; Charcot-Marie-Tooth Neuropathy Type 2O; Charcot-Marie-Tooth disease, axonal, type 20. Identifiers: Orphanet 284232, MedGen C3280220, MONDO:0013644, OMIM 614228.

Submission:

Labcorp Genetics (formerly Invitae), Labcorp
Classification: Uncertain significance for Charcot-Marie-Tooth disease axonal type 2O. Last evaluated: 2025-05-21. Review status: criteria provided, single submitter. Criteria: Invitae Variant Classification Sherloc (09022015). Collection method: clinical testing. Allele origin: germline.
Comment: This sequence change replaces asparagine, which is neutral and polar, with lysine, which is basic and polar, at codon 1138 of the DYNC1H1 protein (p.Asn1138Lys). This variant is not present in population databases (gnomAD no frequency). This variant has not been reported in the literature in individuals affected with DYNC1H1-related conditions. Invitae Evidence Modeling of protein sequence and biophysical properties (such as structural, functional, and spatial information, amino acid conservation, physicochemical variation, residue mobility, and thermodynamic stability) indicates that this missense variant is not expected to disrupt DYNC1H1 protein function with a negative predictive value of 95%. In summary, the available evidence is currently insufficient to determine the role of this variant in disease. Therefore, it has been classified as a Variant of Uncertain Significance.

NM_001376.5(DYNC1H1):c.3414C>G (p.Asn1138Lys)

Gene: DYNC1H1 (dynein cytoplasmic 1 heavy chain 1; plus strand). Cytogenetic location: 14q32.31.
Variant type: single nucleotide variant.
Coding change: c.3414C>G on transcript NM_001376.5 (MANE Select); coding-DNA position 3414, C replaced by G.
Protein change: p.Asn1138Lys; replaces asparagine 1138 with lysine.
Molecular consequence: missense variant.
Genome position (GRCh38, 1-based): chr14:101,995,066, C>G. VCF-style: chr14-101995066-C-G. GRCh37 (hg19) VCF-style: chr14-102461403-C-G.
Other names: short protein forms N1138K.
Identifiers: ClinVar variation 4703945 (VCV004703945.1).
Genomic context (GRCh38, chr14:101,995,066, plus strand): 5'-GAAATATGACTCTTGGCATAAGGAGGTTCTTAGCAAATTTGGGCAGATGCTAGGATCAAA[C>G]ATGACGGAATTCCATTCCCAGATCTCAAAGGTGAGGACATAGGATTCTGCCTCTGTAACC-3'
Protein context (NP_001367.2, residues 1128-1148): LSKFGQMLGS[Asn1138Lys]MTEFHSQISK